The following is an entry in ClinVar:

NM_000051.4(ATM):c.7890A>G (p.Leu2630=)

Genes: ATM (ATM serine/threonine kinase; plus strand), C11orf65 (chromosome 11 open reading frame 65; minus strand). Cytogenetic location: 11q22.3.
Variant type: single nucleotide variant.
Coding change: c.7890A>G on transcript NM_000051.4 (MANE Select); coding-DNA position 7890, A replaced by G.
Protein change: p.Leu2630=; no amino-acid change (leucine 2630 retained).
Molecular consequence: synonymous variant. On other transcripts: intron variant (2).
Genome position (GRCh38, 1-based): chr11:108,332,863, A>G. VCF-style: chr11-108332863-A-G. GRCh37 (hg19) VCF-style: chr11-108203590-A-G.
Other names: c.7890A>G, p.Leu2630= (NM_001351834.2); c.641-23792T>C (NM_001330368.2); c.*38+2357T>C (NM_001351110.2).
Identifiers: ClinVar variation 481194 (VCV000481194.20), dbSNP rs756181210, ClinGen allele CA6266207.

ClinVar aggregate classification (germline): Benign/Likely benign. Review status: criteria provided, multiple submitters, no conflicts (2 of 4 stars). 6 submissions from 6 submitters: Benign (1); Likely benign (5). Last evaluated 2026-06-22.

Conditions:
Hereditary cancer-predisposing syndrome. Also called: Neoplastic Syndromes, Hereditary; Hereditary Cancer Syndrome; Tumor predisposition; Hereditary neoplastic syndrome. Identifiers: Orphanet 140162, MedGen C0027672, MeSH D009386, MONDO:0015356.
Familial cancer of breast. Also called: Hereditary breast cancer; BREAST CANCER, FAMILIAL; hereditary breast carcinoma. Identifiers: Orphanet 227535, MedGen C0346153, MONDO:0016419, OMIM 114480. Disease mechanism: loss of function.
Ataxia-telangiectasia syndrome (AT). Also called: LOUIS-BAR SYNDROME; Cerebello-oculocutaneous telangiectasia; Immunodeficiency with ataxia telangiectasia; Ataxia-telangiectasia, complementation group D; AT, COMPLEMENTATION GROUP C; Ataxia-telangiectasia, complementation group E. Identifiers: Orphanet 100, MedGen C0004135, MONDO:0008840, OMIM 208900.

Allele frequency attached by ClinVar (database versions not stated): ExAC 0.00002; TOPMed 0.00004; gnomAD exomes 0.00001 and below 0.00001; gnomAD 0.00004 and 0.00005.
gnomAD v4.1: 8 of 1,613,140 alleles (0.0005%); highest among the groups gnomAD compares: African/African-American, 0.008%; no homozygotes.

Submissions (6):

Women's Health and Genetics/Laboratory Corporation of America, LabCorp
Classification: Likely benign. Last evaluated: 2026-06-22. Review status: criteria provided, single submitter. Criteria: LabCorp Variant Classification Summary - May 2015. Collection method: clinical testing. Allele origin: germline.

Labcorp Genetics (formerly Invitae), Labcorp
Classification: Likely benign for Ataxia-telangiectasia syndrome. Last evaluated: 2026-01-31. Review status: criteria provided, single submitter. Criteria: Invitae Variant Classification Sherloc (09022015). Collection method: clinical testing. Allele origin: germline.

Myriad Genetics, Inc.
Classification: Benign for Familial cancer of breast. Last evaluated: 2024-06-17. Review status: criteria provided, single submitter. Criteria: Myriad Autosomal Dominant, Autosomal Recessive and X-Linked Classification Criteria (2023). Collection method: clinical testing. Allele origin: unknown.
Comment: This variant is considered benign. This variant is a silent/synonymous amino acid change and it is not expected to impact splicing.

Sema4
Classification: Likely benign for Hereditary cancer-predisposing syndrome. Last evaluated: 2022-03-01. Review status: criteria provided, single submitter. Criteria: Sema4 Curation Guidelines. Collection method: curation. Allele origin: germline.

Ambry Genetics
Classification: Likely benign for Hereditary cancer-predisposing syndrome. Last evaluated: 2015-12-22. Review status: criteria provided, single submitter. Criteria: Ambry Variant Classification Scheme 2023. Collection method: clinical testing. Allele origin: germline.

Color Diagnostics, LLC DBA Color Health
Classification: Likely benign for Hereditary cancer-predisposing syndrome. Last evaluated: 2015-12-08. Review status: criteria provided, single submitter. Criteria: ACMG Guidelines, 2015. Collection method: clinical testing. Allele origin: germline.